The following is an entry in ClinVar:

ClinVar aggregate classification (germline): Uncertain significance (1 of 4 stars; one submission).

Conditions:
Cardiovascular phenotype. Identifiers: MedGen CN230736.

Allele frequency attached by ClinVar (database versions not stated): ExAC 0.00001; gnomAD 0.00001.
gnomAD v4.1: 1 of 1,614,028 alleles (0.000062%); highest among the groups gnomAD compares: Non-Finnish European, 0.000085%; no homozygotes.

Submission:

Ambry Genetics
Classification: Uncertain significance for Cardiovascular phenotype. Last evaluated: 2023-04-22. Review status: criteria provided, single submitter. Criteria: Ambry Variant Classification Scheme 2023. Collection method: clinical testing. Allele origin: germline.
Comment: The p.A152T variant (also known as c.454G>A), located in coding exon 4 of the GPD1L gene, results from a G to A substitution at nucleotide position 454. The alanine at codon 152 is replaced by threonine, an amino acid with similar properties. This amino acid position is conserved. In addition, this alteration is predicted to be deleterious by in silico analysis. Since supporting evidence is limited at this time, the clinical significance of this alteration remains unclear.

NM_015141.4(GPD1L):c.454G>A (p.Ala152Thr)

Gene: GPD1L (glycerol-3-phosphate dehydrogenase 1 like; plus strand). Cytogenetic location: 3p22.3.
Variant type: single nucleotide variant.
Coding change: c.454G>A on transcript NM_015141.4 (MANE Select); coding-DNA position 454, G replaced by A.
Protein change: p.Ala152Thr; replaces alanine 152 with threonine.
Molecular consequence: missense variant.
Genome position (GRCh38, 1-based): chr3:32,140,315, G>A. VCF-style: chr3-32140315-G-A. GRCh37 (hg19) VCF-style: chr3-32181807-G-A.
Other names: short protein forms A152T.
Identifiers: ClinVar variation 2564418 (VCV002564418.2), dbSNP rs760749277, ClinGen allele CA2296647.